The following is an entry in ClinVar:

NM_000843.4(GRM6):c.*171A>G

Genes: GRM6 (glutamate metabotropic receptor 6; minus strand), ZNF454 (zinc finger protein 454; plus strand). Cytogenetic location: 5q35.3.
Variant type: single nucleotide variant.
Coding change: c.*171A>G on transcript NM_000843.4 (MANE Select); 171 bases downstream of the stop codon, A replaced by G.
Molecular consequence: 3 prime UTR variant.
Genome position (GRCh38, 1-based): chr5:178,981,486, T>C on the plus strand (A>G on the coding strand, the complement: GRM6 is on the minus strand). VCF-style: chr5-178981486-T-C. GRCh37 (hg19) VCF-style: chr5-178408487-T-C.
Identifiers: ClinVar variation 1706654 (VCV001706654.2), dbSNP rs17078848, ClinGen allele CA133016054.

ClinVar aggregate classification (germline): Likely benign (1 of 4 stars; one submission).

Allele frequency attached by ClinVar (database versions not stated): TOPMed 0.03334; gnomAD 0.03549; gnomAD exomes 0.05044; 1000 Genomes Project 30x 0.05621; 1000 Genomes Project 0.05771.
gnomAD v4.1: 27,964 of 601,440 alleles (4.6%); highest among the groups gnomAD compares: East Asian, 16%; 1,099 homozygotes.

Submission:

GeneDx
Classification: Likely benign. Last evaluated: 2020-08-28. Review status: criteria provided, single submitter. Criteria: GeneDx Variant Classification Process June 2021. Collection method: clinical testing. Allele origin: germline. Affected: yes.
Comment: See Variant Classification Assertion Criteria.